The following continues an entry in ClinVar:

NM_000263.4(NAGLU):c.889C>T (p.Arg297Ter)

Gene: NAGLU. ClinVar aggregate classification (germline): Pathogenic/Likely pathogenic. Pathogenic (16); Likely pathogenic (1).

Submissions 14 to 22 of 22:

Women's Health and Genetics/Laboratory Corporation of America, LabCorp
Classification: Pathogenic for Mucopolysaccharidosis, MPS-III-B. Last evaluated: 2018-06-25. Review status: criteria provided, single submitter. Criteria: LabCorp Variant Classification Summary - May 2015. Collection method: clinical testing. Allele origin: germline.
Comment: Variant summary: NAGLU c.889C>T (p.Arg297X) results in a premature termination codon, predicted to cause a truncation of the encoded protein or absence of the protein due to nonsense mediated decay, which are commonly known mechanisms for disease. A truncation downstream of this position, c.1597C>T (p.Arg533X) has been classified as pathogenic by our laboratory. The variant allele was found at a frequency of 5.8e-05 in 277224 control chromosomes (gnomAD). This frequency is not significantly higher than expected for a pathogenic variant in NAGLU causing Mucopolysaccharidosis Type IIIB (Sanfilippo Syndrome B) (5.8e-05 vs 0.0025), allowing no conclusion about variant significance. The variant, c.889C>T, has been reported in the literature in multiple individuals affected with Mucopolysaccharidosis Type IIIB (Sanfilippo Syndrome B)(Bunge_1999, Heron_2010). These data indicate that the variant is very likely to be associated with disease. To our knowledge, no experimental evidence demonstrating an impact on protein function has been reported. Five ClinVar submissions from clinical diagnostic laboratories (evaluation after 2014) ctie the variant as "likely pathogenic/pathogenic." Based on the evidence outlined above, the variant was classified as pathogenic.

Illumina Laboratory Services, Illumina
Classification: Pathogenic for Mucopolysaccharidosis, MPS-III-B. Last evaluated: 2017-04-28. Review status: criteria provided, single submitter. Criteria: ICSL Variant Classification Criteria 09 May 2019. Collection method: clinical testing. Allele origin: germline.
Comment: The NAGLU c.889C>T (p.Arg297Ter) variant is a stop-gained variant and has been reported in at least eight studies in which it is found in a total of 26 individuals with mucopolysaccharidosis, type III including three in a homozygous state, 20 in a compound heterozygous state, and three in a heterozygous state where the second allele was not identified (Zhao et al. 1996; Beesley et al. 1998; Weber et al. 1999; Yogalingham et al. 2000; Valstar et al. 2010; de Ruijter et al. 2012; Pollard et al. 2013; Welling et al. 2015). The p.Arg297Ter variant was absent from 80 control alleles but is reported at a frequency of 0.00002 in the Total population of the Exome Aggregation Consortium. Functional studies demonstrated that the variant resulted in very low levels of NAGLU enzyme activity and a 12-fold increase in glycosaminoglycan storage in individual fibroblasts compared to normal fibroblasts (Yogalingham et al. 2000). Due to the potential impact of stop-gained variants and the supporting evidence from the literature, the p.Agr297Ter variant is classified as pathogenic for mucopolysaccharidosis, type III. This variant was observed by ICSL as part of a predisposition screen in an ostensibly healthy population.

Eurofins Ntd Llc (ga)
Classification: Pathogenic. Last evaluated: 2016-06-01. Review status: criteria provided, single submitter. Criteria: EGL Classification Definitions 2015. Collection method: clinical testing. Allele origin: germline. Observed: 7 variant alleles, 4 heterozygotes, 3 homozygotes.

Clinical Genetics DNA and cytogenetics Diagnostics Lab, Erasmus MC, Erasmus Medical Center
Classification: Pathogenic for Mucopolysaccharidosis, MPS-III-B. Last evaluated: 2015-09-21. Review status: criteria provided, single submitter. Criteria: ACGS Guidelines, 2013. Collection method: clinical testing. Allele origin: germline. Affected: yes. Study: VKGL Data-share Consensus.

Counsyl
Classification: Pathogenic for Mucopolysaccharidosis, MPS-III-B. Last evaluated: 2017-01-19. Review status: no assertion criteria provided. Collection method: clinical testing. Allele origin: unknown. Not counted in ClinVar's aggregate classification.

OMIM
Classification: Pathogenic for MUCOPOLYSACCHARIDOSIS, TYPE IIIB. Last evaluated: 2000-11-15. Review status: no assertion criteria provided. Collection method: literature only. Allele origin: germline. Not counted in ClinVar's aggregate classification.

Diagnostic Laboratory, Department of Genetics, University Medical Center Groningen
Classification: Pathogenic for Mucopolysaccharidosis, MPS-III-B. Review status: no assertion criteria provided. Collection method: clinical testing. Allele origin: germline. Affected: yes. Study: VKGL Data-share Consensus. Not counted in ClinVar's aggregate classification.

Dr. Peter K. Rogan Lab, Western University
No classification provided (evidence only). Condition: Familial cancer of breast. Review status: no classification provided. Collection method: in vitro. Allele origin: not applicable. Functional consequence: skipped exon, retained intron. Not counted in ClinVar's aggregate classification.

GeneReviews
No classification provided. Condition: Mucopolysaccharidosis. Review status: no classification provided. Collection method: literature only. Allele origin: germline. Not counted in ClinVar's aggregate classification.

Literature cited by the submitters: PubMed 26907177 (cited by Natera, Inc. and Counsyl); PubMed 9832037 (cited by Labcorp Genetics (formerly Invitae), Labcorp and Illumina Laboratory Services, Illumina); PubMed 10094189 (cited by 4 submitters); PubMed 16151907 (cited by Labcorp Genetics (formerly Invitae), Labcorp); PubMed 22976768 (cited by Labcorp Genetics (formerly Invitae), Labcorp and Illumina Laboratory Services, Illumina); PubMed 28836185 (cited by Labcorp Genetics (formerly Invitae), Labcorp); PubMed 21204211 (cited by Women's Health and Genetics/Laboratory Corporation of America, LabCorp); PubMed 9950362 (cited by Women's Health and Genetics/Laboratory Corporation of America, LabCorp); PubMed 23084433 (cited by Illumina Laboratory Services, Illumina); PubMed 11068184 (cited by 3 submitters); PubMed 20852935 (cited by Illumina Laboratory Services, Illumina and GeneReviews); PubMed 25256447 (cited by Illumina Laboratory Services, Illumina); PubMed 8650226 (cited by Illumina Laboratory Services, Illumina and OMIM); PubMed 9443875 (cited by GeneReviews); PubMed 31536183 (cited by GeneReviews).